The following is an entry in ClinVar:

ClinVar aggregate classification (germline): Uncertain significance (1 of 4 stars; one submission).

Conditions:
Wilms tumor 1 (WT1). Also called: Wilms tumor, somatic. Identifiers: Orphanet 654, MedGen CN033288, MONDO:0008679, OMIM 194070.
11p partial monosomy syndrome (WAGR). Also called: CHROMOSOME 11p13 DELETION SYNDROME; WAGR Spectrum Disorder; WAGR syndrome; WAGR Complex. Identifiers: Orphanet 893, MedGen C0206115, MONDO:0008681, OMIM 194072.
Drash syndrome (DDS). Also called: NEPHROPATHY, WILMS TUMOR, AND GENITAL ANOMALIES; WILMS TUMOR AND PSEUDO- OR TRUE HERMAPHRODITISM. Identifiers: Orphanet 220, MedGen C0950121, MONDO:0008682, OMIM 194080.
Frasier syndrome. Identifiers: Orphanet 347, MedGen C0950122, MeSH D052159, MONDO:0007635, OMIM 136680.

Submission:

Labcorp Genetics (formerly Invitae), Labcorp
Classification: Uncertain significance for Wilms tumor 1; Drash syndrome; 11p partial monosomy syndrome; Frasier syndrome. Last evaluated: 2025-03-07. Review status: criteria provided, single submitter. Criteria: Invitae Variant Classification Sherloc (09022015). Collection method: clinical testing. Allele origin: germline.
Comment: This sequence change replaces phenylalanine, which is neutral and non-polar, with serine, which is neutral and polar, at codon 451 of the WT1 protein (p.Phe451Ser). This variant is not present in population databases (gnomAD no frequency). This variant has not been reported in the literature in individuals affected with WT1-related conditions. Invitae Evidence Modeling of protein sequence and biophysical properties (such as structural, functional, and spatial information, amino acid conservation, physicochemical variation, residue mobility, and thermodynamic stability) indicates that this missense variant is expected to disrupt WT1 protein function with a positive predictive value of 95%. In summary, the available evidence is currently insufficient to determine the role of this variant in disease. Therefore, it has been classified as a Variant of Uncertain Significance.

NM_024426.6(WT1):c.1367T>C (p.Phe456Ser)

Gene: WT1 (WT1 transcription factor; minus strand). Cytogenetic location: 11p13.
Variant type: single nucleotide variant.
Coding change: c.1367T>C on transcript NM_024426.6 (MANE Select); coding-DNA position 1367, T replaced by C.
Protein change: p.Phe456Ser; replaces phenylalanine 456 with serine.
Molecular consequence: missense variant. On other transcripts: non-coding transcript variant (2), intron variant (2).
Genome position (GRCh38, 1-based): chr11:32,392,052, A>G on the plus strand (T>C on the coding strand, the complement: WT1 is on the minus strand). VCF-style: chr11-32392052-A-G. GRCh37 (hg19) VCF-style: chr11-32413598-A-G.
Other names: c.1316T>C, p.Phe439Ser (NM_000378.6, NM_001407045.1); c.716T>C, p.Phe239Ser (NM_001198551.2); c.665T>C, p.Phe222Ser (NM_001198552.2); c.179T>C, p.Phe60Ser (NM_001367854.1); c.1361T>C, p.Phe454Ser (NM_001407044.1); c.1244T>C, p.Phe415Ser (NM_001407047.1); c.1226T>C, p.Phe409Ser (NM_001407048.1); c.1193T>C, p.Phe398Ser (NM_001407050.1); and 6 more; short protein forms F202S, F222S, F239S, F415S, F439S, F398S, F409S, F456S.
Identifiers: ClinVar variation 4783460 (VCV004783460.1).